The following is an entry in ClinVar:

ClinVar aggregate classification (germline): Uncertain significance. Review status: criteria provided, multiple submitters, no conflicts (2 of 4 stars). 3 submissions from 3 submitters: Uncertain significance (3). Last evaluated 2026-05-27.

Conditions:
BBS5-related disorder. Also called: BBS5-related condition.
Bardet-Biedl syndrome (BBS). Identifiers: Orphanet 110, MedGen C0752166, MONDO:0015229.

Allele frequency attached by ClinVar (database versions not stated): gnomAD 0.00001; gnomAD exomes 0.00001; TOPMed 0.00001.
gnomAD v4.1: 21 of 1,612,770 alleles (0.0013%); highest among the groups gnomAD compares: Non-Finnish European, 0.0017%; no homozygotes.

Submissions (3):

PreventionGenetics, part of Exact Sciences
Classification: Uncertain significance for BBS5-related condition. Last evaluated: 2026-05-27. Review status: criteria provided, single submitter. Criteria: ACMG Guidelines, 2015. Collection method: clinical testing. Allele origin: germline.
Comment: The BBS5 c.890A>T variant is predicted to result in the amino acid substitution p.Asp297Val. To our knowledge, this variant has not been reported in the literature. This variant is reported in 0.0023% of alleles in individuals of European (Non-Finnish) descent in gnomAD. At this time, the clinical significance of this variant is uncertain due to the absence of conclusive functional and genetic evidence.

Blueprint Genetics
Classification: Uncertain significance. Last evaluated: 2023-02-01. Review status: criteria provided, single submitter. Criteria: ACMG Guidelines, 2015. Collection method: clinical testing. Allele origin: germline.

Labcorp Genetics (formerly Invitae), Labcorp
Classification: Uncertain significance for Bardet-Biedl syndrome. Last evaluated: 2022-06-05. Review status: criteria provided, single submitter. Criteria: Invitae Variant Classification Sherloc (09022015). Collection method: clinical testing. Allele origin: germline.
Comment: This sequence change replaces aspartic acid, which is acidic and polar, with valine, which is neutral and non-polar, at codon 297 of the BBS5 protein (p.Asp297Val). This variant is present in population databases (no rsID available, gnomAD 0.002%). This variant has not been reported in the literature in individuals affected with BBS5-related conditions. Algorithms developed to predict the effect of missense changes on protein structure and function (SIFT, PolyPhen-2, Align-GVGD) all suggest that this variant is likely to be disruptive. In summary, the available evidence is currently insufficient to determine the role of this variant in disease. Therefore, it has been classified as a Variant of Uncertain Significance.

NM_152384.3(BBS5):c.890A>T (p.Asp297Val)

Gene: BBS5 (Bardet-Biedl syndrome 5; plus strand). Cytogenetic location: 2q31.1.
Variant type: single nucleotide variant.
Coding change: c.890A>T on transcript NM_152384.3 (MANE Select); coding-DNA position 890, A replaced by T.
Protein change: p.Asp297Val; replaces aspartic acid 297 with valine.
Molecular consequence: missense variant.
Genome position (GRCh38, 1-based): chr2:169,503,168, A>T. VCF-style: chr2-169503168-A-T. GRCh37 (hg19) VCF-style: chr2-170359678-A-T.
Other names: c.890A>T (NM_152384.2); short protein forms D297V.
Identifiers: ClinVar variation 1905708 (VCV001905708.4), dbSNP rs910210237, ClinGen allele CA59940917.
Genomic context (GRCh38, chr2:169,503,168, plus strand): 5'-AAGCTCTGACAGTCGAACAAATTCAAGATGATGTAGAAATAGACTCTGATGGTCACACGG[A>T]TGCTTTTGTGGTGAGCATCACAAAGGACAGCATTAAATTTCTTAAGGATTTTATCTCAGT-3'
Protein context (NP_689597.1, residues 287-307): DVEIDSDGHT[Asp297Val]AFVAYFADGN